The following is an entry in ClinVar:

ClinVar aggregate classification (germline): Uncertain significance (1 of 4 stars; one submission).

Conditions:
Severe X-linked myotubular myopathy (CNMX). Also called: MYOTUBULAR MYOPATHY 1; X-linked centronuclear myopathy; Myotubular myopathy, X-linked. Identifiers: Orphanet 596, MedGen C0410203, MONDO:0010683, OMIM 310400.

Submission:

Labcorp Genetics (formerly Invitae), Labcorp
Classification: Uncertain significance for Severe X-linked myotubular myopathy. Last evaluated: 2025-08-26. Review status: criteria provided, single submitter. Criteria: Invitae Variant Classification Sherloc (09022015). Collection method: clinical testing. Allele origin: germline.
Comment: This sequence change replaces threonine, which is neutral and polar, with isoleucine, which is neutral and non-polar, at codon 454 of the MTM1 protein (p.Thr454Ile). This variant is not present in population databases (gnomAD no frequency). This variant has not been reported in the literature in individuals affected with MTM1-related conditions. Invitae Evidence Modeling of protein sequence and biophysical properties (such as structural, functional, and spatial information, amino acid conservation, physicochemical variation, residue mobility, and thermodynamic stability) indicates that this missense variant is expected to disrupt MTM1 protein function with a positive predictive value of 95%. In summary, the available evidence is currently insufficient to determine the role of this variant in disease. Therefore, it has been classified as a Variant of Uncertain Significance.

NM_000252.3(MTM1):c.1361C>T (p.Thr454Ile)

Gene: MTM1 (myotubularin 1; plus strand). Cytogenetic location: Xq28.
Variant type: single nucleotide variant.
Coding change: c.1361C>T on transcript NM_000252.3 (MANE Select); coding-DNA position 1361, C replaced by T.
Protein change: p.Thr454Ile; replaces threonine 454 with isoleucine.
Molecular consequence: missense variant.
Genome position (GRCh38, 1-based): chrX:150,660,378, C>T. VCF-style: chrX-150660378-C-T. GRCh37 (hg19) VCF-style: chrX-149828851-C-T.
Other names: c.1361C>T, p.Thr454Ile (NM_001376906.1, NM_001376908.1); c.1250C>T, p.Thr417Ile (NM_001376907.1); short protein forms T454I, T417I.
Identifiers: ClinVar variation 4748671 (VCV004748671.1).